The following is an entry in ClinVar:

NM_000113.3(TOR1A):c.961del (p.Thr321fs)

Gene: TOR1A (torsin family 1 member A; minus strand). Cytogenetic location: 9q34.11.
Variant type: Deletion.
Coding change: c.961del on transcript NM_000113.3 (MANE Select); coding-DNA position 961, one base deleted (A; older notation c.961delA).
Protein change: p.Thr321fs; shifts the reading frame from threonine 321.
Molecular consequence: frameshift variant.
Genome position (GRCh38, 1-based): chr9:129,814,010, T deleted on the plus strand (A on the coding strand, the reverse complement: TOR1A is on the minus strand); the first of 4 consecutive T bases (chr9:129,814,010-129,814,013); deleting any one gives the same sequence. VCF-style (leftmost placement, unchanged base first): chr9-129814009-GT-G. GRCh37 (hg19) VCF-style: chr9-132576288-GT-G.
Other names: short protein forms T321fs.
Identifiers: ClinVar variation 974680 (VCV000974680.7), dbSNP rs774552108, ClinGen allele CA5278503.

ClinVar aggregate classification (germline): Conflicting classifications of pathogenicity. Review status: criteria provided, conflicting classifications (1 of 4 stars). 4 submissions from 4 submitters: Likely pathogenic (2); Uncertain significance (1). 1 of the submissions does not count toward it. Last evaluated 2025-07-02.

Conditions:
Arthrogryposis multiplex congenita 5. Identifiers: MedGen C5436453, MONDO:0100218, OMIM 618947.
Inborn genetic diseases. Identifiers: MedGen C0950123, MeSH D030342.
TOR1A-related disorder. Also called: TOR1A-related condition; TOR1A-related disorders.

Submissions (4):

Dasa
Classification: Uncertain significance. Last evaluated: 2025-07-02. Review status: criteria provided, single submitter. Criteria: DASA Assertion Criteria. Collection method: clinical testing. Allele origin: germline.
Comment: NM_000113.3(TOR1A):c.961del (p.Thr321Argfs*6) is a frameshift variant in TOR1A predicted to alter the reading frame and introduce a premature termination codon and is predicted to result in an absent or altered protein product. This variant is rare in population databases. The currently available literature and clinical evidence are not sufficient to establish a definitive association between this variant and the reported condition. Therefore, this variant is classified as a variant of uncertain significance.

Blueprint Genetics
Classification: Likely pathogenic for TOR1A-related disorders. Last evaluated: 2024-06-07. Review status: criteria provided, single submitter. Criteria: ACMG Guidelines, 2015. Collection method: clinical testing. Allele origin: germline. Affected: yes. Observed: 1 variant allele.

Ambry Genetics
Classification: Likely pathogenic for Inborn genetic diseases. Last evaluated: 2019-05-21. Review status: criteria provided, single submitter. Criteria: Ambry exome assertion method (8-5-2015). Collection method: clinical testing. Allele origin: germline. Affected: yes. Observed: 1 variant allele.

OMIM
Classification: Pathogenic for ARTHROGRYPOSIS MULTIPLEX CONGENITA 5. Last evaluated: 2020-07-31. Review status: no assertion criteria provided. Collection method: literature only. Allele origin: germline. Not counted in ClinVar's aggregate classification.

Literature cited by the submitters: PubMed 18827015 (cited by Ambry Genetics); PubMed 28516161 (cited by OMIM).